The following is an entry in ClinVar:

NM_015001.3(SPEN):c.2174G>C (p.Ser725Thr)

Gene: SPEN (spen family transcriptional repressor; plus strand). Cytogenetic location: 1p36.13.
Variant type: single nucleotide variant.
Coding change: c.2174G>C on transcript NM_015001.3 (MANE Select); coding-DNA position 2174, G replaced by C.
Protein change: p.Ser725Thr; replaces serine 725 with threonine.
Molecular consequence: missense variant.
Genome position (GRCh38, 1-based): chr1:15,928,414, G>C. VCF-style: chr1-15928414-G-C. GRCh37 (hg19) VCF-style: chr1-16254909-G-C.
Other names: short protein forms S725T.
Identifiers: ClinVar variation 2633639 (VCV002633639.1), dbSNP rs2523073309, ClinGen allele CA338598567.

ClinVar aggregate classification (germline): Uncertain significance (1 of 4 stars; one submission).

Conditions:
SPEN-related disorder. Also called: SPEN-related condition.

Submission:

PreventionGenetics, part of Exact Sciences
Classification: Uncertain significance for SPEN-related condition. Last evaluated: 2023-03-28. Review status: criteria provided, single submitter. Criteria: ACMG Guidelines, 2015. Collection method: clinical testing. Allele origin: germline.
Comment: The SPEN c.2174G>C variant is predicted to result in the amino acid substitution p.Ser725Thr. To our knowledge, this variant has not been reported in the literature or in a large population database, indicating this variant is rare. At this time, the clinical significance of this variant is uncertain due to the absence of conclusive functional and genetic evidence.